The following is an entry in ClinVar:

ClinVar aggregate classification (germline): Uncertain significance. Review status: criteria provided, multiple submitters, no conflicts (2 of 4 stars). 2 submissions from 2 submitters: Uncertain significance (2). Last evaluated 2025-10-14.

Conditions:
USH2A-related disorder. Also called: USH2A-related disorders; USH2A-related condition. Identifiers: MedGen CN239332.

gnomAD v4.1: 2 of 1,614,086 alleles (0.00012%); highest among the groups gnomAD compares: South Asian, 0.0022%; no homozygotes.

Submissions (2):

Myriad Genetics, Inc.
Classification: Uncertain significance for USH2A-related disorder. Last evaluated: 2025-10-14. Review status: criteria provided, single submitter. Criteria: Myriad Autosomal Dominant, Autosomal Recessive and X-Linked Classification Criteria (2023). Collection method: clinical testing. Allele origin: unknown.
Comment: NM_206933.2(USH2A):c.13978C>T(P4660S) is a missense variant classified as a variant of uncertain significance in the context of USH2A-related disorders. P4660S has been observed in a case with relevant disease (PMID: 38927702). Relevant functional assessments of this variant are not available in the literature. P4660S has not been observed in referenced population frequency databases. In summary, there is insufficient evidence to classify NM_206933.2(USH2A):c.13978C>T(P4660S) as pathogenic or benign. Please note: this variant was assessed in the context of healthy population screening.

Labcorp Genetics (formerly Invitae), Labcorp
Classification: Uncertain significance. Last evaluated: 2022-10-18. Review status: criteria provided, single submitter. Criteria: Invitae Variant Classification Sherloc (09022015). Collection method: clinical testing. Allele origin: germline.
Comment: This sequence change replaces proline, which is neutral and non-polar, with serine, which is neutral and polar, at codon 4660 of the USH2A protein (p.Pro4660Ser). This variant is not present in population databases (gnomAD no frequency). This variant has not been reported in the literature in individuals affected with USH2A-related conditions. Advanced modeling of protein sequence and biophysical properties (such as structural, functional, and spatial information, amino acid conservation, physicochemical variation, residue mobility, and thermodynamic stability) performed at Invitae indicates that this missense variant is expected to disrupt USH2A protein function. This variant disrupts the p.Pro4660 amino acid residue in USH2A. Other variant(s) that disrupt this residue have been observed in individuals with USH2A-related conditions (PMID: 33302505; Invitae), which suggests that this may be a clinically significant amino acid residue. In summary, the available evidence is currently insufficient to determine the role of this variant in disease. Therefore, it has been classified as a Variant of Uncertain Significance.

Literature cited by the submitters: PubMed 38927702 (cited by Myriad Genetics, Inc.); PubMed 33302505 (cited by Labcorp Genetics (formerly Invitae), Labcorp).

NM_206933.4(USH2A):c.13978C>T (p.Pro4660Ser)

Gene: USH2A (usherin; minus strand). Cytogenetic location: 1q41.
Variant type: single nucleotide variant.
Coding change: c.13978C>T on transcript NM_206933.4 (MANE Select); coding-DNA position 13978, C replaced by T.
Protein change: p.Pro4660Ser; replaces proline 4660 with serine.
Molecular consequence: missense variant.
Genome position (GRCh38, 1-based): chr1:215,671,127, G>A on the plus strand (C>T on the coding strand, the complement: USH2A is on the minus strand). VCF-style: chr1-215671127-G-A. GRCh37 (hg19) VCF-style: chr1-215844469-G-A.
Other names: short protein forms P4660S.
Identifiers: ClinVar variation 2177550 (VCV002177550.2), dbSNP rs1657801147, ClinGen allele CA344840895.
Genomic context (GRCh38, chr1:215,671,127, plus strand): 5'-GAGTTGCTATTTGTCTTCTGTATAATTCGTAATACAAAACTTTTCCATTTGGCTGCAGCG[G>A]TCCTGTCCACAAAAGAGAAACAGTTGGCTGGAATCCTCCTGGAGCCATTTGTACCTCCAG-3'
Protein context (NP_996816.3, residues 4650-4670): QPTVSLLWTG[Pro4660Ser]LQPNGKVLYY